The following is an entry in ClinVar:

ClinVar aggregate classification (germline): Likely benign. Review status: criteria provided, multiple submitters, no conflicts (2 of 4 stars). 4 submissions from 4 submitters: Likely benign (4). Last evaluated 2026-07-01.

Allele frequency attached by ClinVar (database versions not stated): 1000 Genomes Project 30x 0.00375; 1000 Genomes Project 0.00379; gnomAD 0.00475; TOPMed 0.00486; ESP Exome Variant Server 0.00536.
gnomAD v4.1: 9,156 of 1,388,566 alleles (0.66%); highest among the groups gnomAD compares: Non-Finnish European, 0.77%; 19 homozygotes.

Submissions (4):

CeGaT Center for Human Genetics Tuebingen
Classification: Likely benign. Last evaluated: 2026-07-01. Review status: criteria provided, single submitter. Criteria: CeGaT Center For Human Genetics Tuebingen Variant Classification Criteria Version 2. Collection method: clinical testing. Allele origin: germline. Affected: yes. Observed: 21 variant alleles.
Comment: PMM2: BS2

GeneDx
Classification: Likely benign. Last evaluated: 2020-02-13. Review status: criteria provided, single submitter. Criteria: GeneDx Variant Classification Process June 2021. Collection method: clinical testing. Allele origin: germline. Affected: yes.

Breakthrough Genomics
Classification: Likely benign. Review status: criteria provided, single submitter. Criteria: ACMG Guidelines, 2015. Collection method: not provided. Allele origin: germline. Inheritance: Autosomal recessive inheritance. Affected: yes.

PreventionGenetics, part of Exact Sciences
Classification: Likely benign. Review status: criteria provided, single submitter. Criteria: ACMG Guidelines, 2015. Collection method: clinical testing. Allele origin: germline.

NM_000303.3(PMM2):c.447+22T>A

Gene: PMM2 (phosphomannomutase 2; plus strand). Cytogenetic location: 16p13.2.
Variant type: single nucleotide variant.
Coding change: c.447+22T>A on transcript NM_000303.3 (MANE Select); 22 bases into the intron after coding-DNA position 447, T replaced by A.
Molecular consequence: intron variant.
Genome position (GRCh38, 1-based): chr16:8,811,200, T>A. VCF-style: chr16-8811200-T-A. GRCh37 (hg19) VCF-style: chr16-8905057-T-A.
Identifiers: ClinVar variation 255807 (VCV000255807.35), dbSNP rs137862339, ClinGen allele CA7894063.